The following is an entry in ClinVar:

NM_000122.2(ERCC3):c.1628C>T (p.Ala543Val)

Gene: ERCC3 (ERCC excision repair 3, TFIIH core complex helicase subunit; minus strand). Cytogenetic location: 2q14.3.
Variant type: single nucleotide variant.
Coding change: c.1628C>T on transcript NM_000122.2 (MANE Select); coding-DNA position 1628, C replaced by T.
Protein change: p.Ala543Val; replaces alanine 543 with valine.
Molecular consequence: missense variant.
Genome position (GRCh38, 1-based): chr2:127,279,275, G>A on the plus strand (C>T on the coding strand, the complement: ERCC3 is on the minus strand). VCF-style: chr2-127279275-G-A. GRCh37 (hg19) VCF-style: chr2-128036851-G-A.
Other names: c.1436C>T, p.Ala479Val (NM_001303416.2, NM_001303418.2); short protein forms A479V, A543V.
Identifiers: ClinVar variation 1437512 (VCV001437512.7), dbSNP rs752934885, ClinGen allele CA1858221.

ClinVar aggregate classification (germline): Uncertain significance (1 of 4 stars; one submission).

Allele frequency attached by ClinVar (database versions not stated): gnomAD exomes below 0.00001; ExAC 0.00001; gnomAD 0.00001.
gnomAD v4.1: 4 of 1,613,368 alleles (0.00025%); highest among the groups gnomAD compares: African/African-American, 0.0027%; no homozygotes.

Submission:

Labcorp Genetics (formerly Invitae), Labcorp
Classification: Uncertain significance. Last evaluated: 2021-07-16. Review status: criteria provided, single submitter. Criteria: Invitae Variant Classification Sherloc (09022015). Collection method: clinical testing. Allele origin: germline.
Comment: In summary, the available evidence is currently insufficient to determine the role of this variant in disease. Therefore, it has been classified as a Variant of Uncertain Significance. Algorithms developed to predict the effect of missense changes on protein structure and function (SIFT, PolyPhen-2, Align-GVGD) all suggest that this variant is likely to be tolerated. This variant has not been reported in the literature in individuals affected with ERCC3-related conditions. This variant is present in population databases (rs752934885, ExAC 0.01%). This sequence change replaces alanine with valine at codon 543 of the ERCC3 protein (p.Ala543Val). The alanine residue is moderately conserved and there is a small physicochemical difference between alanine and valine.